The following is an entry in ClinVar:

ClinVar aggregate classification (germline): Conflicting classifications of pathogenicity. Review status: criteria provided, conflicting classifications (1 of 4 stars). 5 submissions from 5 submitters: Pathogenic (1); Uncertain significance (3). 1 of the submissions does not count toward it. Last evaluated 2025-11-24.

Conditions:
Amyotrophic lateral sclerosis (ALS). Also called: Charcot disease; Lou Gehrig disease. Identifiers: Orphanet 803, MedGen C0002736, MONDO:0004976, HP:0007354.
CHMP2B-related disorder. Also called: CHMP2B-related condition.
Frontotemporal dementia and/or amyotrophic lateral sclerosis 7 (FTDALS7). Also called: CHMP2B-Related Frontotemporal Dementia-Amyotrophic Lateral Sclerosis; AMYOTROPHIC LATERAL SCLEROSIS, CHMP2B-RELATED; CHMP2B-related frontotemporal dementia; Amyotrophic lateral sclerosis 17. Identifiers: Orphanet 275864, Orphanet 282, Orphanet 803, MedGen C1833296, MONDO:0010936, OMIM 600795.

Allele frequency attached by ClinVar (database versions not stated): ExAC 0.00004; gnomAD exomes 0.00004 and 0.00011; TOPMed 0.00008; gnomAD 0.00010 and 0.00011; ESP Exome Variant Server 0.00015.
gnomAD v4.1: 172 of 1,613,576 alleles (0.011%); highest among the groups gnomAD compares: Non-Finnish European, 0.013%; no homozygotes.

Submissions (5):

Labcorp Genetics (formerly Invitae), Labcorp
Classification: Uncertain significance for Frontotemporal dementia and/or amyotrophic lateral sclerosis 7. Last evaluated: 2025-11-24. Review status: criteria provided, single submitter. Criteria: Invitae Variant Classification Sherloc (09022015). Collection method: clinical testing. Allele origin: germline.
Comment: This sequence change replaces arginine, which is basic and polar, with glutamine, which is neutral and polar, at codon 69 of the CHMP2B protein (p.Arg69Gln). This variant is present in population databases (rs200792883, gnomAD 0.01%). This missense change has been observed in individual(s) with progressive muscular atrophy, amyotrophic lateral sclerosis, and vascular dementia (PMID: 20625756, 23155438, 28430856, 29525180). ClinVar contains an entry for this variant (Variation ID: 872081). An algorithm developed to predict the effect of missense changes on protein structure and function (PolyPhen-2) suggests that this variant is likely to be disruptive. In summary, the available evidence is currently insufficient to determine the role of this variant in disease. Therefore, it has been classified as a Variant of Uncertain Significance.

Department of Pathology and Laboratory Medicine, Sinai Health System
Classification: Uncertain significance for Amyotrophic lateral sclerosis. Last evaluated: 2022-01-31. Review status: criteria provided, single submitter. Criteria: ACMG Guidelines, 2015. Collection method: research. Allele origin: germline.

GeneDx
Classification: Uncertain significance. Last evaluated: 2019-09-19. Review status: criteria provided, single submitter. Criteria: GeneDx Variant Classification Process June 2021. Collection method: clinical testing. Allele origin: germline. Affected: yes.
Comment: In silico analysis, which includes protein predictors and evolutionary conservation, supports a deleterious effect; This variant is associated with the following publications: (PMID: 26843957, 28430856, 20625756, 29525180, 23155438)

CeGaT Center for Human Genetics Tuebingen
Classification: Pathogenic. Last evaluated: 2016-09-01. Review status: criteria provided, single submitter. Criteria: CeGaT Center For Human Genetics Tuebingen Variant Classification Criteria Version 2. Collection method: clinical testing. Allele origin: germline. Affected: yes. Observed: 1 variant allele.

PreventionGenetics, part of Exact Sciences
Classification: Uncertain significance for CHMP2B-related condition. Last evaluated: 2024-09-19. Review status: no assertion criteria provided. Collection method: clinical testing. Allele origin: germline. Not counted in ClinVar's aggregate classification.
Comment: The CHMP2B c.206G>A variant is predicted to result in the amino acid substitution p.Arg69Gln. This variant has been reported in three individuals presenting with either vascular dementia, ALS, or progressive muscular atrophy (van Blitterswijk et al. 2012. PubMed ID: 23155438; Morgan et al. 2017. PubMed ID: 28430856; Bartoletti-Stella et al. 2018. PubMed ID: 29525180). This variant is reported in 0.013% of alleles in individuals of South Asian descent in gnomAD and in one control patient (Ghanim et al. 2010. PubMed ID: 20625756). At this time, the clinical significance of this variant is uncertain due to the absence of conclusive functional and genetic evidence.

Literature cited by the submitters: PubMed 20625756 (cited by Labcorp Genetics (formerly Invitae), Labcorp); PubMed 23155438 (cited by Labcorp Genetics (formerly Invitae), Labcorp); PubMed 28430856 (cited by Labcorp Genetics (formerly Invitae), Labcorp); PubMed 29525180 (cited by Labcorp Genetics (formerly Invitae), Labcorp).

NM_014043.4(CHMP2B):c.206G>A (p.Arg69Gln)

Gene: CHMP2B (charged multivesicular body protein 2B; plus strand). Cytogenetic location: 3p11.2.
Variant type: single nucleotide variant.
Coding change: c.206G>A on transcript NM_014043.4 (MANE Select); coding-DNA position 206, G replaced by A.
Protein change: p.Arg69Gln; replaces arginine 69 with glutamine.
Molecular consequence: missense variant.
Genome position (GRCh38, 1-based): chr3:87,245,793, G>A. VCF-style: chr3-87245793-G-A. GRCh37 (hg19) VCF-style: chr3-87294943-G-A.
Other names: c.83G>A, p.Arg28Gln (NM_001244644.2); short protein forms R28Q, R69Q.
Identifiers: ClinVar variation 872081 (VCV000872081.50), dbSNP rs200792883, ClinGen allele CA2500934.